The following is an entry in ClinVar:

ClinVar aggregate classification (germline): Uncertain significance (1 of 4 stars; one submission).

Submission:

Clinical Genomics Laboratory, Laboratory for Precision Diagnostics, University of Washington
Classification: Uncertain significance. Last evaluated: 2023-08-31. Review status: criteria provided, single submitter. Criteria: ACMG/ClinGen CNV Guidelines, 2019. Collection method: clinical testing. Allele origin: unknown. Affected: yes. Observed: 1 variant allele.

GRCh38/hg38 11q23.1(chr11:110727794-111311005)x1

Genes: COLCA1 (colorectal cancer associated 1; minus strand), LINC02550 (long independently transcribed non-coding RNA 2550; minus strand), POU2AF2 (POU class 2 homeobox associating factor 2; plus strand), POU2AF3 (POU class 2 homeobox associating factor 3; plus strand), LOC126861334 (CDK7 strongly-dependent group 2 enhancer GRCh37_chr11:110703043-110704242; plus strand) and 3 more. Cytogenetic location: 11q23.1.
Variant type: copy number loss.
Change: copy number 1 (one copy instead of two) of chr11:110,727,794-111,311,005 (583.2 kb, GRCh38 coordinates, 1-based), cytogenetic band 11q23.1.
Identifiers: ClinVar variation 4890995 (VCV004890995.1).